The following is an entry in ClinVar:

NM_001172501.3(SLC6A2):c.407-29C>T

Gene: SLC6A2 (solute carrier family 6 member 2; plus strand). Cytogenetic location: 16q12.2.
Variant type: single nucleotide variant.
Coding change: c.407-29C>T on transcript NM_001172501.3 (MANE Select); 29 bases into the intron before coding-DNA position 407, C replaced by T.
Molecular consequence: intron variant. On other transcripts: synonymous variant (1).
Genome position (GRCh38, 1-based): chr16:55,671,909, C>T. VCF-style: chr16-55671909-C-T. GRCh37 (hg19) VCF-style: chr16-55705821-C-T.
Other names: c.63C>T, p.Asp21= (NM_001172502.1); c.407-29C>T (NM_001043.3, NM_001172504.1).
Identifiers: ClinVar variation 3038037 (VCV003038037.2), dbSNP rs201384450, ClinGen allele CA8061450.

ClinVar aggregate classification (germline): Likely benign (0 of 4 stars; one submission).

Conditions:
SLC6A2-related disorder.

Allele frequency attached by ClinVar (database versions not stated): 1000 Genomes Project 30x 0.00016; 1000 Genomes Project 0.00020.
gnomAD v4.1: 34 of 1,613,784 alleles (0.0021%); highest among the groups gnomAD compares: Admixed American, 0.052%; no homozygotes.

Submission:

PreventionGenetics, part of Exact Sciences
Classification: Likely benign for SLC6A2-related condition. Last evaluated: 2019-05-03. Review status: no assertion criteria provided. Collection method: clinical testing. Allele origin: germline.
Comment: This variant is classified as likely benign based on ACMG/AMP sequence variant interpretation guidelines (Richards et al. 2015 PMID: 25741868, with internal and published modifications).